The following is an entry in ClinVar:

ClinVar aggregate classification (germline): Likely benign (1 of 4 stars; one submission).

Allele frequency attached by ClinVar (database versions not stated): gnomAD 0.01088 and 0.01165; TOPMed 0.01232; 1000 Genomes Project 0.01278; 1000 Genomes Project 30x 0.01359.
gnomAD v4.1: 1,624 of 151,800 alleles (1.1%); highest among the groups gnomAD compares: African/African-American, 3.7%; 21 homozygotes.

Submission:

GeneDx
Classification: Likely benign. Last evaluated: 2018-06-14. Review status: criteria provided, single submitter. Criteria: GeneDx Variant Classification (06012015). Collection method: clinical testing. Allele origin: germline. Affected: yes.
Comment: This variant is considered likely benign or benign based on one or more of the following criteria: it is a conservative change, it occurs at a poorly conserved position in the protein, it is predicted to be benign by multiple in silico algorithms, and/or has population frequency not consistent with disease.

NM_201596.3(CACNB2):c.671-177T>G

Gene: CACNB2 (calcium voltage-gated channel auxiliary subunit beta 2; plus strand). Cytogenetic location: 10p12.31.
Variant type: single nucleotide variant.
Coding change: c.671-177T>G on transcript NM_201596.3 (MANE Select); 177 bases into the intron before coding-DNA position 671, T replaced by G.
Molecular consequence: intron variant.
Genome position (GRCh38, 1-based): chr10:18,514,059, T>G. VCF-style: chr10-18514059-T-G. GRCh37 (hg19) VCF-style: chr10-18802988-T-G.
Other names: c.587-177T>G (NM_201571.4); c.587-452T>G (NM_001167945.2); c.587-921T>G (NM_201572.4); c.671-452T>G (NM_201593.3); c.671-921T>G (NM_201597.3); c.506-177T>G (NM_000724.4); c.506-452T>G (NM_001330060.2); c.509-177T>G (NM_201590.3); and 1 more.
Identifiers: ClinVar variation 676372 (VCV000676372.1), dbSNP rs140015379, ClinGen allele CA203227577.